The following is an entry in ClinVar:

NM_000138.5(FBN1):c.7540G>A (p.Gly2514Arg)

Gene: FBN1 (fibrillin 1; minus strand). Cytogenetic location: 15q21.1.
Variant type: single nucleotide variant.
Coding change: c.7540G>A on transcript NM_000138.5 (MANE Select); coding-DNA position 7540, G replaced by A.
Protein change: p.Gly2514Arg; replaces glycine 2514 with arginine.
Molecular consequence: missense variant.
Genome position (GRCh38, 1-based): chr15:48,421,982, C>T on the plus strand (G>A on the coding strand, the complement: FBN1 is on the minus strand). VCF-style: chr15-48421982-C-T. GRCh37 (hg19) VCF-style: chr15-48714179-C-T.
Other names: NM_000138.5(FBN1):c.7540G>A; short protein forms G2514R.
Identifiers: ClinVar variation 178034 (VCV000178034.56), dbSNP rs363811, ClinGen allele CA017250.
Genomic context (GRCh38, chr15:48,421,982, plus strand): 5'-CCATGTAGGATTTTTTCCTCTCCTACTCACCAATGCAGGACGTATGGTGTTGGGTAAATC[C>T]GGGAGGACATTTGCATGTGAAGCCGCCAATGGTGTTAACACATAGGAACTGGCAGTTGTG-3'
Protein context (NP_000129.3, residues 2504-2524): IGGFTCKCPP[Gly2514Arg]FTQHHTSCID

ClinVar aggregate classification (germline): Pathogenic. Review status: reviewed by expert panel (3 of 4 stars). 15 submissions from 15 submitters: Pathogenic (1). 14 of the submissions do not count toward it. Last evaluated 2023-09-28.

Conditions:
Isolated thoracic aortic aneurysm.
Marfan Syndrome/Loeys-Dietz Syndrome/Familial Thoracic Aortic Aneurysms and Dissections. Identifiers: MedGen CN229799.
Familial thoracic aortic aneurysm and aortic dissection (TAAD). Also called: Thoracic aortic aneurysms and dissections. Identifiers: Orphanet 91387, MedGen C4707243, MONDO:0019625.
Marfan syndrome (MFS). Also called: FBN1-Related Marfan Syndrome; Marfan syndrome type 1; Marfan's syndrome; MARFAN SYNDROME, TYPE I; Marfan syndrome, classic. Identifiers: Orphanet 284963, Orphanet 558, MedGen C0024796, MONDO:0007947, OMIM 154700.
FBN1-related disorder. Also called: FBN1-related disorders.

Submissions 1 to 8 of 15:

ClinGen FBN1 Variant Curation Expert Panel, ClinGen
Classification: Pathogenic for Marfan syndrome. Last evaluated: 2023-09-28. Review status: reviewed by expert panel. Criteria: Assertion Criteria VCEP FBN1 Version 1. Collection method: curation. Allele origin: germline. Inheritance: Autosomal dominant inheritance.
Comment: The NM_000138.5 c.7540G>A is a missense variant in FBN1 predicted to cause a substitution of a glycine acid by arginine at amino acid 2514 (p.Gly2514Arg), located within a calcium binding EGF-like (cbEGF) domain of the protein. This variant has been reported in at least 4 individuals with thoracic aortic aneurysm and/or clinical features of Marfan syndrome (PMID 26272055, 19720936, 11875032, Laboratory for Molecular Medicine ClinVarentry), and in at least 3 individuals clinically diagnosed with Marfan syndrome (PMID 33483584, 28468757, Rurali et al. 2019) (PS4). It was also found to segregate with the disease in at least 5 affected family members from multiple families (Rurali et al. 2019, Laboratory for Molecular Medicine ClinVar entry, internal data) (PP1_Strong). This variant is not present in gnomAD (PM2_sup; version 2.1.1). Computational prediction tools and conservation analysis suggest that this variant may impact the protein (REVEL: 0.945) (PP3). The constraint z-score for missense variants affecting FBN1 is 5.06 (PP2). In summary, this variant meets criteria to be classified as pathogenic for Marfan syndrome based on the ACMG/AMP criteria applied, as specified by the ClinGen FBN1 VCEP: PS4, PP1_Strong, PM2_Sup, PP2, PP3, PP4

PreventionGenetics, part of Exact Sciences
Classification: Pathogenic for FBN1-related condition. Last evaluated: 2026-04-15. Review status: criteria provided, single submitter. Criteria: ACMG Guidelines, 2015. Collection method: clinical testing. Allele origin: germline. Not counted in ClinVar's aggregate classification.
Comment: The FBN1 c.7540G>A variant is predicted to result in the amino acid substitution p.Gly2514Arg. This variant was reported in individuals with Marfan syndrome (Ng et al. 2002. PubMed ID: 11875032; Supplemental Table 1, Pilop et al. 2009. PubMed ID: 19720936) or thoracic aortic aneurysm disorder (TAAD, Guo et al. 2015. PubMed ID: 26272055; Table S3, Li. 2021. PubMed ID: 33824467) and has been noted to segregate with the disorder in families (Table S2, Rurali et al. 2019. PubMed ID: 31149040; Gezdirici et al. 2021. PubMed ID: 33483584). This variant has not been reported in a large population database, indicating this variant is rare, and is classified as pathogenic by an expert panel in ClinVar (Variation ID: 178034). This variant is interpreted as pathogenic.

GeneDx
Classification: Likely pathogenic. Last evaluated: 2026-04-13. Review status: criteria provided, single submitter. Criteria: GeneDx Variant Classification Process June 2021. Collection method: clinical testing. Allele origin: germline. Not counted in ClinVar's aggregate classification.
Comment: Not observed at significant frequency in large population cohorts (gnomAD); In silico analysis supports that this missense variant has a deleterious effect on protein structure/function; Does not affect a cysteine or calcium-binding residue within an EGF-like domain or a TGF-binding protein domain of the FBN1 gene; cysteine substitutions in the EGF-like domains represent the majority of pathogenic missense changes associated with FBN1-related disorders (PMID: 12938084); This variant is associated with the following publications: (PMID: 24941995, 31227806, 19720936, 26272055, 11875032, 19561590, 33483584, 12938084, 33824467, 41542347)

Labcorp Genetics (formerly Invitae), Labcorp
Classification: Pathogenic for Marfan syndrome; Familial thoracic aortic aneurysm and aortic dissection. Last evaluated: 2025-08-17. Review status: criteria provided, single submitter. Criteria: Invitae Variant Classification Sherloc (09022015). Collection method: clinical testing. Allele origin: germline. Not counted in ClinVar's aggregate classification.
Comment: This sequence change replaces glycine, which is neutral and non-polar, with arginine, which is basic and polar, at codon 2514 of the FBN1 protein (p.Gly2514Arg). This variant is not present in population databases (gnomAD no frequency). This missense change has been observed in individuals with FBN1-related conditions (PMID: 11875032, 19720936, 26272055). ClinVar contains an entry for this variant (Variation ID: 178034). Invitae Evidence Modeling of protein sequence and biophysical properties (such as structural, functional, and spatial information, amino acid conservation, physicochemical variation, residue mobility, and thermodynamic stability) indicates that this missense variant is expected to disrupt FBN1 protein function with a positive predictive value of 95%. For these reasons, this variant has been classified as Pathogenic.

Equipe Genetique des Anomalies du Developpement, Université de Bourgogne
Classification: Pathogenic for Marfan syndrome. Last evaluated: 2025-01-16. Review status: criteria provided, single submitter. Criteria: ACMG Guidelines, 2015. Collection method: clinical testing. Allele origin: maternal. Affected: yes. Not counted in ClinVar's aggregate classification.
Comment: This missense, heterozygous variant NM_000138.5:c.7540G>A p.(Gly2514Arg) in the gene FBN1 implicates an amino acid that is 100% conserved in vertebrates and is located in a functional domain. This variant is absent from gnomAD (v4.1.0) and has previously been reported numerous times in ClinVar as pathogenic, likely pathogenic and of uncertain significance. Pathogenic monoallelic variants in the FBN1 gene are associated with a spectrum of syndromes including Marfan syndrome, of autosomal dominant transmission (OMIM #154700). According to the available evidence, this variant is considered to be pathogenic.

Ambry Genetics
Classification: Pathogenic for Familial thoracic aortic aneurysm and aortic dissection. Last evaluated: 2024-12-30. Review status: criteria provided, single submitter. Criteria: Ambry Variant Classification Scheme 2023. Collection method: clinical testing. Allele origin: germline. Not counted in ClinVar's aggregate classification.
Comment: The p.G2514R pathogenic mutation (also known as c.7540G>A), located in coding exon 60 of the FBN1 gene, results from a G to A substitution at nucleotide position 7540. The glycine at codon 2514 is replaced by arginine, an amino acid with dissimilar properties. This variant was reported in individual(s) with features consistent with Marfan syndrome and segregated with disease in at least one family (Ng PC et al. Genome Res, 2002 Mar;12:436-46; Guo J et al. Sci Rep, 2015 Aug;5:13115; Pilop C et al. Circulation, 2009 Sep;120:983-91; Rurali E et al. Theranostics, 2019 Apr;9:2224-2234; Gezdirici A et al. J Hum Genet, 2021 Jul;66:647-657; external communication; Ambry internal data). This variant alters a conserved residue in the calcium-binding consensus sequence of a cbEGF domain and is expected to disrupt FBN1 function (Handford PA et al. Nature. 1991; 351(6322):164-7). Based on internal structural analysis, this variant is anticipated to result in a significant decrease in structural stability (Jensen SA et al. Structure, 2009 May;17:759-68; Ambry internal data). This amino acid position is highly conserved in available vertebrate species. In addition, this alteration is predicted to be deleterious by in silico analysis. This variant is considered to be rare based on population cohorts in the Genome Aggregation Database (gnomAD). Based on the supporting evidence, this variant is interpreted as a disease-causing mutation.

Blueprint Genetics
Classification: Pathogenic for FBN1-related disorders. Last evaluated: 2024-08-12. Review status: criteria provided, single submitter. Criteria: ACMG Guidelines, 2015. Collection method: clinical testing. Allele origin: germline. Affected: yes. Observed: 5 variant alleles. Not counted in ClinVar's aggregate classification.

Women's Health and Genetics/Laboratory Corporation of America, LabCorp
Classification: Pathogenic for Marfan Syndrome/Loeys-Dietz Syndrome/Familial Thoracic Aortic Aneurysms and Dissections. Last evaluated: 2024-07-02. Review status: criteria provided, single submitter. Criteria: LabCorp Variant Classification Summary - May 2015. Collection method: clinical testing. Allele origin: germline. Not counted in ClinVar's aggregate classification.
Comment: Variant summary: FBN1 c.7540G>A (p.Gly2514Arg) results in a non-conservative amino acid change located in the EGF-like domain (IPR000742) of the encoded protein sequence. Five of five in-silico tools predict a damaging effect of the variant on protein function. The variant was absent in 251264 control chromosomes. c.7540G>A has been reported in individuals diagnosed with Marfan Syndrome with aortic/cardiovascular phenotypes and without ocular phenotypes (e.g. Pilop_2009, Franken_2017, and Gezdirici_2021). At-least one individual is reported with sporadic thoracic aortic aneurysm and dissection (example: Guo_2015). These data indicate that the variant is very likely to be associated with disease. To our knowledge, no experimental evidence demonstrating an impact on protein function has been reported. The following publications have been ascertained in the context of this evaluation (PMID: 11875032, 19720936, 26272055, 33483584, 28468757). ClinVar contains an entry for this variant (Variation ID: 178034). Based on the evidence outlined above, the variant was classified as pathogenic.